The following is an entry in ClinVar:

ClinVar aggregate classification (germline): Uncertain significance. Review status: criteria provided, multiple submitters, no conflicts (2 of 4 stars). 2 submissions from 2 submitters: Uncertain significance (2). Last evaluated 2025-11-18.

Conditions:
Inborn genetic diseases. Identifiers: MedGen C0950123, MeSH D030342.

Allele frequency attached by ClinVar (database versions not stated): ExAC 0.00001; gnomAD exomes 0.00001 and 0.00004; TOPMed 0.00003.
gnomAD v4.1: 15 of 1,614,172 alleles (0.00093%); highest among the groups gnomAD compares: Admixed American, 0.017%; no homozygotes.

Submissions (2):

Labcorp Genetics (formerly Invitae), Labcorp
Classification: Uncertain significance. Last evaluated: 2025-11-18. Review status: criteria provided, single submitter. Criteria: Invitae Variant Classification Sherloc (09022015). Collection method: clinical testing. Allele origin: germline.
Comment: This sequence change replaces glycine, which is neutral and non-polar, with serine, which is neutral and polar, at codon 960 of the DSG1 protein (p.Gly960Ser). This variant is present in population databases (rs749491944, gnomAD 0.02%). This variant has not been reported in the literature in individuals affected with DSG1-related conditions. ClinVar contains an entry for this variant (Variation ID: 1431713). An algorithm developed to predict the effect of missense changes on protein structure and function (PolyPhen-2) suggests that this variant is likely to be disruptive. In summary, the available evidence is currently insufficient to determine the role of this variant in disease. Therefore, it has been classified as a Variant of Uncertain Significance.

Ambry Genetics
Classification: Uncertain significance for Inborn genetic diseases. Last evaluated: 2025-05-16. Review status: criteria provided, single submitter. Criteria: Ambry Variant Classification Scheme 2023. Collection method: clinical testing. Allele origin: germline.

NM_001942.4(DSG1):c.2878G>A (p.Gly960Ser)

Genes: DSG1 (desmoglein 1; plus strand), DSG1-AS1 (DSG1 antisense RNA 1; minus strand). Cytogenetic location: 18q12.1.
Variant type: single nucleotide variant.
Coding change: c.2878G>A on transcript NM_001942.4 (MANE Select); coding-DNA position 2878, G replaced by A.
Protein change: p.Gly960Ser; replaces glycine 960 with serine.
Molecular consequence: missense variant.
Genome position (GRCh38, 1-based): chr18:31,355,074, G>A. VCF-style: chr18-31355074-G-A. GRCh37 (hg19) VCF-style: chr18-28935037-G-A.
Other names: c.2878G>A (NM_001942.2); short protein forms G960S.
Identifiers: ClinVar variation 1431713 (VCV001431713.8), dbSNP rs749491944, ClinGen allele CA8926465.